The following continues an entry in ClinVar:

NM_000059.4(BRCA2):c.3503T>A (p.Met1168Lys)

Gene: BRCA2. ClinVar aggregate classification (germline): Conflicting classifications of pathogenicity. Uncertain significance (8); Likely benign (3).

Submissions 9 to 14 of 14:

University of Washington Department of Laboratory Medicine, University of Washington
Classification: Likely benign for Hereditary cancer-predisposing syndrome. Last evaluated: 2023-03-23. Review status: criteria provided, single submitter. Criteria: Dines et al. (Genet Med. 2020). Collection method: curation. Allele origin: germline.
Comment: Missense variant in a coldspot region where missense variants are very unlikely to be pathogenic (PMID:31911673).

BRCA2 exon 11 coldspot. Reclassification based on statistical prior probability.

ARUP Laboratories, Molecular Genetics and Genomics, ARUP Laboratories
Classification: Uncertain significance. Last evaluated: 2019-09-12. Review status: criteria provided, single submitter. Criteria: ARUP Molecular Germline Variant Investigation Process. Collection method: clinical testing. Allele origin: germline.
Comment: The BRCA2 c.3503T>A; p.Met1168Lys variant (rs80358598), to our knowledge, is not reported in the medical literature but is reported in ClinVar (Variation ID: 51479). This variant is only observed on three alleles in the Genome Aggregation Database, indicating it is not a common polymorphism. The methionine at codon 1168 is weakly conserved, and computational analyses (SIFT, PolyPhen-2) predict that this variant is tolerated. A different amino acid substitution at this codon (c.3503T>C; p.M1168T) has been reported in an individual with hereditary breast and/or ovarian cancer (Trujillano 2015). Due to limited information, the clinical significance of the p.Met1168Lys variant is uncertain at this time. References: Trujillano D et al. Next-generation sequencing of the BRCA1 and BRCA2 genes for the genetic diagnostics of hereditary breast and/or ovarian cancer. J Mol Diagn. 2015 Mar;17(2):162-70.

Laboratory of Medical Genetics Unit, Bambino Gesù Children's Hospital
Classification: Uncertain significance for Pilocytic astrocytoma. Review status: criteria provided, single submitter. Criteria: ACMG Guidelines, 2015. Collection method: research. Allele origin: germline. Affected: yes.
Comment: The variant NM_000059.4 (BRCA2): c.3503T>A (p.Met1168Lys) is rare in GnomAD and it is reported in literatute. It is annotated on Clinvar as VUS associated with Hereditary Breast Ovarian Cancer Syndrome [RCV000044210] and Hereditary Cancer-predisposing Syndrome [RCV000163591]. It is classified as VUS according to the ACMG criteria (PM2 and BP6).

BRCAlab, Lund University
Classification: Uncertain significance for Breast-ovarian cancer, familial, susceptibility to, 2. Last evaluated: 2020-03-02. Review status: no assertion criteria provided. Collection method: clinical testing. Allele origin: germline. Affected: yes. Not counted in ClinVar's aggregate classification.

Sharing Clinical Reports Project (SCRP)
Classification: Uncertain significance for Breast-ovarian cancer, familial 2. Last evaluated: 2012-05-01. Review status: no assertion criteria provided. Collection method: clinical testing. Allele origin: germline. Not counted in ClinVar's aggregate classification.

Breast Cancer Information Core (BIC) (BRCA2)
Classification: Uncertain significance for Breast-ovarian cancer, familial 2. Last evaluated: 2004-02-20. Review status: no assertion criteria provided. Collection method: clinical testing. Allele origin: germline. Affected: yes. Observed: 3 variant alleles. Not counted in ClinVar's aggregate classification.

Literature cited by the submitters: PubMed 36605468 (cited by Women's Health and Genetics/Laboratory Corporation of America, LabCorp and Quest Diagnostics Nichols Institute San Juan Capistrano); PubMed 37922907 (cited by Women's Health and Genetics/Laboratory Corporation of America, LabCorp and Quest Diagnostics Nichols Institute San Juan Capistrano); PubMed 38652475 (cited by Women's Health and Genetics/Laboratory Corporation of America, LabCorp); PubMed 31911673 (cited by Quest Diagnostics Nichols Institute San Juan Capistrano); PubMed 33471991 (cited by Quest Diagnostics Nichols Institute San Juan Capistrano and All of Us Research Program, National Institutes of Health).